The following is an entry in ClinVar:

ClinVar aggregate classification (germline): Likely pathogenic (1 of 4 stars; one submission).

Submission:

CeGaT Center for Human Genetics Tuebingen
Classification: Likely pathogenic. Last evaluated: 2023-09-01. Review status: criteria provided, single submitter. Criteria: CeGaT Center For Human Genetics Tuebingen Variant Classification Criteria Version 2. Collection method: clinical testing. Allele origin: germline. Affected: yes. Observed: 1 variant allele.
Comment: CACNA1A: PM1, PM2, PP2, PP3, PS2:Supporting

NM_001127222.2(CACNA1A):c.4188G>C (p.Gln1396His)

Genes: CACNA1A (calcium voltage-gated channel subunit alpha1 A; minus strand), LOC126862864 (MED14-independent group 3 enhancer GRCh37_chr19:13371552-13372751; plus strand). Cytogenetic location: 19p13.13.
Variant type: single nucleotide variant.
Coding change: c.4188G>C on transcript NM_001127222.2 (MANE Select); coding-DNA position 4188, G replaced by C.
Protein change: p.Gln1396His; replaces glutamine 1396 with histidine.
Molecular consequence: missense variant.
Genome position (GRCh38, 1-based): chr19:13,261,512, C>G on the plus strand (G>C on the coding strand, the complement: CACNA1A is on the minus strand). VCF-style: chr19-13261512-C-G. GRCh37 (hg19) VCF-style: chr19-13372326-C-G.
Other names: c.4200G>C, p.Gln1400His (NM_000068.4, NM_023035.3); c.4191G>C, p.Gln1397His (NM_001127221.2, NM_001174080.2); short protein forms Q1396H, Q1397H, Q1400H.
Identifiers: ClinVar variation 2582967 (VCV002582967.25), dbSNP rs1402642604, ClinGen allele CA404339673.
Genomic context (GRCh38, chr19:13,261,512, plus strand): 5'-ACAATCTTTCTCAAACTCTTTGGACTCGTCAGTGCAGTGGAAGAATTTCCCCTTGAAGAG[C>G]TGCACAGCCACCACGGCGAAGATGAACATGAATAGCATGTAGACGATGAGGATGTTGAAG-3'
Protein context (NP_001120694.1, residues 1386-1406): FMFIFAVVAV[Gln1396His]LFKGKFFHCT